The following is an entry in ClinVar:

ClinVar aggregate classification (germline): Uncertain significance (1 of 4 stars; one submission).

Conditions:
Predisposition to invasive fungal disease due to CARD9 deficiency (IMD103). Also called: CARD9 IMMUNODEFICIENCY; IMMUNODEFICIENCY 103, SUSCEPTIBILITY TO FUNGAL INFECTIONS; Candidiasis, familial, 2, autosomal recessive. Identifiers: Orphanet 457088, MedGen C1859353, MONDO:0008905, OMIM 212050.

Submission:

Labcorp Genetics (formerly Invitae), Labcorp
Classification: Uncertain significance for Predisposition to invasive fungal disease due to CARD9 deficiency. Last evaluated: 2022-04-20. Review status: criteria provided, single submitter. Criteria: Invitae Variant Classification Sherloc (09022015). Collection method: clinical testing. Allele origin: germline.
Comment: This variant, c.757_759del, results in the deletion of 1 amino acid(s) of the CARD9 protein (p.Glu253del), but otherwise preserves the integrity of the reading frame. This variant is present in population databases (rs773509649, gnomAD 0.006%). This variant has not been reported in the literature in individuals affected with CARD9-related conditions. Experimental studies and prediction algorithms are not available or were not evaluated, and the functional significance of this variant is currently unknown. In summary, the available evidence is currently insufficient to determine the role of this variant in disease. Therefore, it has been classified as a Variant of Uncertain Significance.

NM_052813.5(CARD9):c.757_759del (p.Glu253del)

Gene: CARD9 (caspase recruitment domain family member 9; minus strand). Cytogenetic location: 9q34.3.
Variant type: Deletion.
Coding change: c.757_759del on transcript NM_052813.5 (MANE Select); coding-DNA positions 757 to 759, 3 bases deleted (GAG; older notation c.757_759delGAG).
Protein change: p.Glu253del; deletes glutamic acid 253.
Molecular consequence: inframe deletion.
Genome position (GRCh38, 1-based): chr9:136,370,570-136,370,572, CTC deleted on the plus strand (GAG on the coding strand, the reverse complement: CARD9 is on the minus strand); deleting any 3 consecutive bases within chr9:136,370,570-136,370,574 gives the same sequence; the c. name uses the placement nearest the transcript's 3' end. VCF-style (leftmost placement, unchanged base first): chr9-136370569-TCTC-T. GRCh37 (hg19) VCF-style: chr9-139265021-TCTC-T.
Other names: c.757_759del, p.Glu253del (NM_052814.4); short protein forms E253del.
Identifiers: ClinVar variation 2077194 (VCV002077194.1), dbSNP rs773509649, ClinGen allele CA5332995.